The following is an entry in ClinVar:

ClinVar aggregate classification (germline): Pathogenic (1 of 4 stars; one submission).

Conditions:
Rare genetic deafness. Identifiers: Orphanet 96210, MedGen C5680250.

Allele frequency attached by ClinVar (database versions not stated): gnomAD exomes below 0.00001; TOPMed below 0.00001; ExAC 0.00001.
gnomAD v4.1: 2 of 1,611,378 alleles (0.00012%); highest among the groups gnomAD compares: East Asian, 0.0022%; no homozygotes.

Submission:

Laboratory for Molecular Medicine, Mass General Brigham Personalized Medicine
Classification: Pathogenic for Rare genetic deafness. Last evaluated: 2017-05-31. Review status: criteria provided, single submitter. Criteria: LMM Criteria. Collection method: clinical testing. Allele origin: germline. Inheritance: Autosomal recessive inheritance. Observed: 1 variant allele.
Comment: The c.268-2A>G variant in OTOA has not been previously reported in individuals w ith hearing loss, but has been identified in 1/111514 European chromosomes by th e Genome Aggregation Database (gnomAD; dbSNP r s770892393). Although this variant has been seen in the general population, its frequency is low enough to be consistent with a recessive carrier frequency. Th is variant occurs in the invariant region (+/- 1/2) of the splice consensus sequ ence and is predicted to cause altered splicing leading to an abnormal or absent protein. Loss of function of the OTOA gene is an established disease mechanism in autosomal recessive hearing loss. In summary, this variant meets criteria to be classified as pathogenic for autosomal recessive hearing loss based on the pr edicted impact of the variant.

NM_144672.4(OTOA):c.268-2A>G

Gene: OTOA (otoancorin). Cytogenetic location: 16p12.2.
Variant type: single nucleotide variant.
Coding change: c.268-2A>G on transcript NM_144672.4 (MANE Select); the canonical splice acceptor site of the intron before coding-DNA position 268, A replaced by G.
Molecular consequence: splice acceptor variant.
Genome position (GRCh38, 1-based): chr16:21,685,228, A>G. VCF-style: chr16-21685228-A-G. GRCh37 (hg19) VCF-style: chr16-21696549-A-G.
Other names: c.31-2A>G (NM_001161683.2).
Identifiers: ClinVar variation 505849 (VCV000505849.5), dbSNP rs770892393, ClinGen allele CA7952260.
Genomic context (GRCh38, chr16:21,685,228, plus strand): 5'-GTGCTGACCATGTGCTCCTGCTCTTTCTGTTCTCACCGACTCTCCCAACACCCCAAATAC[A>G]GGCAGCCGTGGAAAACCACCTGGAGCAGCGTCTGCACCAGCCCCAGAAGCTGCTGGAGGA-3'